The following is an entry in ClinVar:

ClinVar aggregate classification (germline): Conflicting classifications of pathogenicity. Review status: criteria provided, conflicting classifications (1 of 4 stars). 5 submissions from 5 submitters: Uncertain significance (4); Likely benign (1). Last evaluated 2025-11-05.

Conditions:
Cardiovascular phenotype. Identifiers: MedGen CN230736.
Hereditary cancer-predisposing syndrome. Also called: Hereditary neoplastic syndrome; Neoplastic Syndromes, Hereditary; Tumor predisposition; Hereditary Cancer Syndrome. Identifiers: Orphanet 140162, MedGen C0027672, MeSH D009386, MONDO:0015356.
Juvenile myelomonocytic leukemia (JMML). Also called: LEUKEMIA, JUVENILE MYELOMONOCYTIC, SOMATIC. Identifiers: Orphanet 86834, MedGen C0349639, MONDO:0011908, OMIM 607785, HP:0012209.
Neurofibromatosis, type 1 (NF1). Also called: VON RECKLINGHAUSEN DISEASE; Peripheral type neurofibromatosis; NEUROFIBROMATOSIS, TYPE I, SOMATIC; Neurofibromatosis, type I. Identifiers: Orphanet 636, MedGen C0027831, MONDO:0018975, OMIM 162200. Disease mechanism: loss of function.

Allele frequency attached by ClinVar (database versions not stated): TOPMed below 0.00001; gnomAD 0.00001.
gnomAD v4.1: 2 of 1,613,414 alleles (0.00012%); highest among the groups gnomAD compares: Non-Finnish European, 0.00017%; no homozygotes.

Submissions (5):

Labcorp Genetics (formerly Invitae), Labcorp
Classification: Likely benign for Neurofibromatosis, type 1. Last evaluated: 2025-11-05. Review status: criteria provided, single submitter. Criteria: Invitae Variant Classification Sherloc (09022015). Collection method: clinical testing. Allele origin: germline.

Ambry Genetics
Classification: Uncertain significance for Cardiovascular phenotype; Hereditary cancer-predisposing syndrome. Last evaluated: 2024-10-31. Review status: criteria provided, single submitter. Criteria: Ambry Variant Classification Scheme 2023. Collection method: clinical testing. Allele origin: germline.
Comment: The p.V1021G variant (also known as c.3062T>G), located in coding exon 23 of the NF1 gene, results from a T to G substitution at nucleotide position 3062. The valine at codon 1021 is replaced by glycine, an amino acid with dissimilar properties. This amino acid position is highly conserved in available vertebrate species. In addition, the in silico prediction for this alteration is inconclusive. Since supporting evidence is limited at this time, the clinical significance of this alteration remains unclear.

Baylor Genetics
Classification: Uncertain significance for Juvenile myelomonocytic leukemia. Last evaluated: 2023-12-26. Review status: criteria provided, single submitter. Criteria: ACMG Guidelines, 2015. Collection method: clinical testing. Allele origin: unknown.

GeneDx
Classification: Uncertain significance. Last evaluated: 2023-12-18. Review status: criteria provided, single submitter. Criteria: GeneDx Variant Classification Process June 2021. Collection method: clinical testing. Allele origin: germline. Affected: yes.
Comment: Not observed at significant frequency in large population cohorts (gnomAD); In silico analysis supports that this missense variant has a deleterious effect on protein structure/function; Has not been previously published as pathogenic or benign to our knowledge; This variant is associated with the following publications: (PMID: 25486365, 2121369)

Genome-Nilou Lab
Classification: Uncertain significance for Neurofibromatosis, type 1. Last evaluated: 2022-03-15. Review status: criteria provided, single submitter. Criteria: ACMG Guidelines, 2015. Collection method: clinical testing. Allele origin: germline. Affected: no.

NM_001042492.3(NF1):c.3062T>G (p.Val1021Gly)

Gene: NF1 (neurofibromin 1; plus strand). Cytogenetic location: 17q11.2.
Variant type: single nucleotide variant.
Coding change: c.3062T>G on transcript NM_001042492.3 (MANE Select); coding-DNA position 3062, T replaced by G.
Protein change: p.Val1021Gly; replaces valine 1021 with glycine.
Molecular consequence: missense variant.
Genome position (GRCh38, 1-based): chr17:31,230,331, T>G. VCF-style: chr17-31230331-T-G. GRCh37 (hg19) VCF-style: chr17-29557349-T-G.
Other names: c.3062T>G, p.Val1021Gly (NM_000267.4); short protein forms V1021G.
Identifiers: ClinVar variation 480164 (VCV000480164.16), dbSNP rs1355411201, ClinGen allele CA398987428.